The following is an entry in ClinVar:

ClinVar aggregate classification (germline): Uncertain significance (1 of 4 stars; one submission).

Conditions:
Sandhoff disease. Also called: Beta-hexosaminidase-beta-subunit deficiency; GM2 gangliosidosis, type 2; Total hexosaminidase deficiency; Sandhoff-Jatzkewitz-Pilz disease; GM2-GANGLIOSIDOSIS, TYPE II; HEXOSAMINIDASES A AND B DEFICIENCY. Identifiers: Orphanet 796, MedGen C0036161, MONDO:0010006, OMIM 268800.

Submission:

Labcorp Genetics (formerly Invitae), Labcorp
Classification: Uncertain significance for Sandhoff disease. Last evaluated: 2025-09-02. Review status: criteria provided, single submitter. Criteria: Invitae Variant Classification Sherloc (09022015). Collection method: clinical testing. Allele origin: germline.
Comment: This sequence change replaces serine, which is neutral and polar, with arginine, which is basic and polar, at codon 455 of the HEXB protein (p.Ser455Arg). This variant is not present in population databases (gnomAD no frequency). This variant has not been reported in the literature in individuals affected with HEXB-related conditions. ClinVar contains an entry for this variant (Variation ID: 1374976). An algorithm developed to predict the effect of missense changes on protein structure and function outputs the following: PolyPhen-2: "Benign". The arginine amino acid residue is found in multiple mammalian species, which suggests that this missense change does not adversely affect protein function. Algorithms developed to predict the effect of sequence changes on RNA splicing suggest that this variant may disrupt the consensus splice site. In summary, the available evidence is currently insufficient to determine the role of this variant in disease. Therefore, it has been classified as a Variant of Uncertain Significance.

NM_000521.4(HEXB):c.1365C>G (p.Ser455Arg)

Gene: HEXB (hexosaminidase subunit beta; plus strand). Cytogenetic location: 5q13.3.
Variant type: single nucleotide variant.
Coding change: c.1365C>G on transcript NM_000521.4 (MANE Select); coding-DNA position 1365, C replaced by G.
Protein change: p.Ser455Arg; replaces serine 455 with arginine.
Molecular consequence: missense variant.
Genome position (GRCh38, 1-based): chr5:74,718,919, C>G. VCF-style: chr5-74718919-C-G. GRCh37 (hg19) VCF-style: chr5-74014744-C-G.
Other names: c.690C>G, p.Ser230Arg (NM_001292004.2); short protein forms S230R, S455R.
Identifiers: ClinVar variation 1374976 (VCV001374976.5), dbSNP rs2112180879, ClinGen allele CA360070417.
Genomic context (GRCh38, chr5:74,718,919, plus strand): 5'-AGTCACAGCATCTGGCTTCCCTGTAATCCTTTCTGCTCCTTGGTACTTAGATTTGATTAG[C>G]TATGGACAAGATTGGAGGAAATACTATAAAGTGGAACCTCTTGATTTTGGCGGTAAGTGA-3'
Protein context (NP_000512.2, residues 445-465): LSAPWYLDLI[Ser455Arg]YGQDWRKYYK